The following is an entry in ClinVar:

ClinVar aggregate classification (germline): Likely pathogenic (1 of 4 stars; one submission).

Conditions:
Aortic aneurysm, familial thoracic 12. Identifiers: MedGen C5676959, MONDO:0030731, OMIM 619825.

gnomAD v4.1: 9 of 1,614,184 alleles (0.00056%); highest among the groups gnomAD compares: South Asian, 0.0011%; no homozygotes.

Submission:

Centre of Medical Genetics, University of Antwerp
Classification: Likely pathogenic for Aortic aneurysm, familial thoracic 12. Last evaluated: 2024-05-21. Review status: criteria provided, single submitter. Criteria: ACMG Guidelines, 2015. Collection method: clinical testing. Allele origin: unknown. Affected: yes.
Comment: PVS1, PM2

NM_024817.3(THSD4):c.853C>T (p.Arg285Ter)

Gene: THSD4 (thrombospondin type 1 domain containing 4; plus strand). Cytogenetic location: 15q23.
Variant type: single nucleotide variant.
Coding change: c.853C>T on transcript NM_024817.3 (MANE Select); coding-DNA position 853, C replaced by T.
Protein change: p.Arg285Ter; replaces arginine 285 with a stop codon.
Molecular consequence: nonsense.
Genome position (GRCh38, 1-based): chr15:71,243,037, C>T. VCF-style: chr15-71243037-C-T. GRCh37 (hg19) VCF-style: chr15-71535376-C-T.
Other names: c.853C>T, p.Arg285Ter (NM_001394532.1); short protein forms R285*.
Identifiers: ClinVar variation 3236719 (VCV003236719.2).
Genomic context (GRCh38, chr15:71,243,037, plus strand): 5'-ACAAGCAACAACCACGGTGTGGGGACCCATGGGGCAACTCAGAGCTTCTCTCAGCCTGCC[C>T]GATCTACAGCAATCTCATGCATCGGGGCCTATCGGCAGTACAAGCTGTGCAACACCAACG-3'